The following is an entry in ClinVar:

NM_024408.4(NOTCH2):c.1158G>A (p.Lys386=)

Gene: NOTCH2 (notch receptor 2; minus strand). Cytogenetic location: 1p12.
Variant type: single nucleotide variant.
Coding change: c.1158G>A on transcript NM_024408.4 (MANE Select); coding-DNA position 1158, G replaced by A.
Protein change: p.Lys386=; no amino-acid change (lysine 386 retained).
Molecular consequence: synonymous variant.
Genome position (GRCh38, 1-based): chr1:119,968,183, C>T on the plus strand (G>A on the coding strand, the complement: NOTCH2 is on the minus strand). VCF-style: chr1-119968183-C-T. GRCh37 (hg19) VCF-style: chr1-120510806-C-T.
Other names: c.1158G>A, p.Lys386= (NM_001200001.2); c.1158G>A (NM_024408.3).
Identifiers: ClinVar variation 1582799 (VCV001582799.10), dbSNP rs781863099, ClinGen allele CA1040599.

ClinVar aggregate classification (germline): Likely benign. Review status: criteria provided, multiple submitters, no conflicts (2 of 4 stars). 3 submissions from 3 submitters: Likely benign (2). 1 of the submissions does not count toward it. Last evaluated 2024-08-21.

Conditions:
NOTCH2-related disorder. Also called: NOTCH2-related condition.
Alagille syndrome due to a NOTCH2 point mutation. Also called: Alagille syndrome 2. Identifiers: Orphanet 261629, Orphanet 52, MedGen C1857761, MONDO:0012439, OMIM 610205.
Hajdu-Cheney syndrome (HJCYS). Also called: SERPENTINE FIBULA-POLYCYSTIC KIDNEY SYNDROME; ACROOSTEOLYSIS WITH OSTEOPOROSIS AND CHANGES IN SKULL AND MANDIBLE; Acroosteolysis dominant type. Identifiers: Orphanet 955, MedGen C0917715, MONDO:0007057, OMIM 102500.

Allele frequency attached by ClinVar (database versions not stated): gnomAD exomes below 0.00001 and 0.00001; ExAC 0.00001; gnomAD 0.00003 and 0.00004; TOPMed 0.00004.
gnomAD v4.1: 20 of 1,613,888 alleles (0.0012%); highest among the groups gnomAD compares: Non-Finnish European, 0.0015%; no homozygotes.

Submissions (3):

Labcorp Genetics (formerly Invitae), Labcorp
Classification: Likely benign for Hajdu-Cheney syndrome. Last evaluated: 2024-08-21. Review status: criteria provided, single submitter. Criteria: Invitae Variant Classification Sherloc (09022015). Collection method: clinical testing. Allele origin: germline.

Fulgent Genetics
Classification: Likely benign for Hajdu-Cheney syndrome; Alagille syndrome due to a NOTCH2 point mutation. Last evaluated: 2021-12-30. Review status: criteria provided, single submitter. Criteria: ACMG Guidelines, 2015. Collection method: clinical testing. Allele origin: unknown.

PreventionGenetics, part of Exact Sciences
Classification: Likely benign for NOTCH2-related condition. Last evaluated: 2024-05-09. Review status: no assertion criteria provided. Collection method: clinical testing. Allele origin: germline. Not counted in ClinVar's aggregate classification.
Comment: This variant is classified as likely benign based on ACMG/AMP sequence variant interpretation guidelines (Richards et al. 2015 PMID: 25741868, with internal and published modifications).